The following is an entry in ClinVar:

ClinVar aggregate classification (germline): Uncertain significance. Review status: criteria provided, multiple submitters, no conflicts (2 of 4 stars). 2 submissions from 2 submitters: Uncertain significance (2). Last evaluated 2025-12-29.

Conditions:
Bloom syndrome (BLM). Also called: Bloom-Torre-Machacek syndrome. Identifiers: Orphanet 125, MedGen C0005859, MONDO:0008876, OMIM 210900.
Hereditary cancer-predisposing syndrome. Also called: Hereditary Cancer Syndrome; Neoplastic Syndromes, Hereditary; Tumor predisposition; Hereditary neoplastic syndrome. Identifiers: Orphanet 140162, MedGen C0027672, MeSH D009386, MONDO:0015356.

Submissions (2):

Ambry Genetics
Classification: Uncertain significance for Hereditary cancer-predisposing syndrome. Last evaluated: 2025-12-29. Review status: criteria provided, single submitter. Criteria: Ambry Variant Classification Scheme 2023. Collection method: clinical testing. Allele origin: germline.
Comment: The p.F992L variant (also known as c.2976C>G), located in coding exon 14 of the BLM gene, results from a C to G substitution at nucleotide position 2976. The phenylalanine at codon 992 is replaced by leucine, an amino acid with highly similar properties. This amino acid position is conserved. In addition, this alteration is predicted to be deleterious by in silico analysis. Based on the available evidence, the clinical significance of this variant remains unclear.

Labcorp Genetics (formerly Invitae), Labcorp
Classification: Uncertain significance for Bloom syndrome. Last evaluated: 2024-08-27. Review status: criteria provided, single submitter. Criteria: Invitae Variant Classification Sherloc (09022015). Collection method: clinical testing. Allele origin: germline.
Comment: This sequence change replaces phenylalanine, which is neutral and non-polar, with leucine, which is neutral and non-polar, at codon 992 of the BLM protein (p.Phe992Leu). This variant is not present in population databases (gnomAD no frequency). This variant has not been reported in the literature in individuals affected with BLM-related conditions. Invitae Evidence Modeling of protein sequence and biophysical properties (such as structural, functional, and spatial information, amino acid conservation, physicochemical variation, residue mobility, and thermodynamic stability) indicates that this missense variant is not expected to disrupt BLM protein function with a negative predictive value of 80%. In summary, the available evidence is currently insufficient to determine the role of this variant in disease. Therefore, it has been classified as a Variant of Uncertain Significance.

NM_000057.4(BLM):c.2976C>G (p.Phe992Leu)

Gene: BLM (BLM RecQ like helicase; plus strand). Cytogenetic location: 15q26.1.
Variant type: single nucleotide variant.
Coding change: c.2976C>G on transcript NM_000057.4 (MANE Select); coding-DNA position 2976, C replaced by G.
Protein change: p.Phe992Leu; replaces phenylalanine 992 with leucine.
Molecular consequence: missense variant.
Genome position (GRCh38, 1-based): chr15:90,790,801, C>G. VCF-style: chr15-90790801-C-G. GRCh37 (hg19) VCF-style: chr15-91334031-C-G.
Other names: c.2976C>G, p.Phe992Leu (NM_001287246.2, NM_001287247.2); c.1851C>G, p.Phe617Leu (NM_001287248.2); short protein forms F992L, F617L.
Identifiers: ClinVar variation 3663496 (VCV003663496.3).